The following is an entry in ClinVar:

NM_001291088.2(WDR87):c.532G>A (p.Glu178Lys)

Gene: WDR87 (WD repeat domain 87; minus strand). Cytogenetic location: 19q13.13.
Variant type: single nucleotide variant.
Coding change: c.532G>A on transcript NM_001291088.2 (MANE Select); coding-DNA position 532, G replaced by A.
Protein change: p.Glu178Lys; replaces glutamic acid 178 with lysine.
Molecular consequence: missense variant.
Genome position (GRCh38, 1-based): chr19:37,895,171, C>T on the plus strand (G>A on the coding strand, the complement: WDR87 is on the minus strand). VCF-style: chr19-37895171-C-T. GRCh37 (hg19) VCF-style: chr19-38385811-C-T.
Other names: c.415G>A, p.Glu139Lys (NM_031951.5); c.415G>A (NM_031951.3); short protein forms E139K, E178K.
Identifiers: ClinVar variation 3655321 (VCV003655321.3).

ClinVar aggregate classification (germline): Uncertain significance. Review status: criteria provided, multiple submitters, no conflicts (2 of 4 stars). 2 submissions from 2 submitters: Uncertain significance (2). Last evaluated 2025-03-27.

gnomAD v4.1: 1 of 1,551,724 alleles (0.000064%); highest among the groups gnomAD compares: Admixed American, 0.002%; no homozygotes.

Submissions (2):

Ambry Genetics
Classification: Uncertain significance. Last evaluated: 2025-03-27. Review status: criteria provided, single submitter. Criteria: Ambry Variant Classification Scheme 2023. Collection method: clinical testing. Allele origin: germline.

Labcorp Genetics (formerly Invitae), Labcorp
Classification: Uncertain significance. Last evaluated: 2024-06-03. Review status: criteria provided, single submitter. Criteria: Invitae Variant Classification Sherloc (09022015). Collection method: clinical testing. Allele origin: germline.
Comment: This sequence change replaces glutamic acid, which is acidic and polar, with lysine, which is basic and polar, at codon 139 of the WDR87 protein (p.Glu139Lys). This variant is present in population databases (no rsID available, gnomAD 0.004%). This variant has not been reported in the literature in individuals affected with WDR87-related conditions. An algorithm developed to predict the effect of missense changes on protein structure and function (PolyPhen-2) suggests that this variant is likely to be disruptive. In summary, the available evidence is currently insufficient to determine the role of this variant in disease. Therefore, it has been classified as a Variant of Uncertain Significance.